The following is an entry in ClinVar:

NM_001382567.1(STIM1):c.515C>T (p.Thr172Ile)

Gene: STIM1 (stromal interaction molecule 1; plus strand). Cytogenetic location: 11p15.4.
Variant type: single nucleotide variant.
Coding change: c.515C>T on transcript NM_001382567.1 (MANE Select); coding-DNA position 515, C replaced by T.
Protein change: p.Thr172Ile; replaces threonine 172 with isoleucine.
Molecular consequence: missense variant. On other transcripts: non-coding transcript variant (3), intron variant (1).
Genome position (GRCh38, 1-based): chr11:4,059,298, C>T. VCF-style: chr11-4059298-C-T. GRCh37 (hg19) VCF-style: chr11-4080528-C-T.
Other names: c.515C>T, p.Thr172Ile (NM_001277961.3, NM_001277962.2, NM_001382568.1 and 2 more transcripts); c.293C>T, p.Thr98Ile (NM_001382566.1, NM_001382573.1, NM_001382574.1 and 5 more transcripts); c.380C>T, p.Thr127Ile (NM_001382569.1); c.35C>T, p.Thr12Ile (NM_001382571.1); c.26C>T, p.Thr9Ile (NM_001382580.1, NM_001382581.1); c.386-10728C>T (NM_001382570.1); short protein forms T172I, T98I, T127I, T12I, T9I.
Identifiers: ClinVar variation 1398687 (VCV001398687.8), dbSNP rs200912784, ClinGen allele CA216351277.

ClinVar aggregate classification (germline): Uncertain significance (1 of 4 stars; one submission).

Conditions:
Combined immunodeficiency due to STIM1 deficiency. Also called: STIM1 DEFICIENCY; IMMUNODEFICIENCY 10. Identifiers: Orphanet 169090, Orphanet 317430, MedGen C2748557, MONDO:0013008, OMIM 612783.
Myopathy with tubular aggregates (TAM). Also called: Tubular Aggregate Myopathy. Identifiers: Orphanet 2593, MedGen C0410207, MONDO:0008051.
Stormorken syndrome (STRMK). Also called: THROMBOCYTOPATHY, ASPLENIA, AND MIOSIS. Identifiers: Orphanet 3204, MedGen C1861451, MONDO:0008497, OMIM 185070.

Allele frequency attached by ClinVar (database versions not stated): gnomAD exomes below 0.00001.
gnomAD v4.1: 4 of 1,614,072 alleles (0.00025%); highest among the groups gnomAD compares: Non-Finnish European, 0.00034%; no homozygotes.

Submission:

Labcorp Genetics (formerly Invitae), Labcorp
Classification: Uncertain significance for Myopathy with tubular aggregates; Combined immunodeficiency due to STIM1 deficiency; Stormorken syndrome. Last evaluated: 2021-02-13. Review status: criteria provided, single submitter. Criteria: Invitae Variant Classification Sherloc (09022015). Collection method: clinical testing. Allele origin: germline.
Comment: Algorithms developed to predict the effect of missense changes on protein structure and function (SIFT, PolyPhen-2, Align-GVGD) all suggest that this variant is likely to be tolerated, but these predictions have not been confirmed by published functional studies and their clinical significance is uncertain. In summary, the available evidence is currently insufficient to determine the role of this variant in disease. Therefore, it has been classified as a Variant of Uncertain Significance. This variant has not been reported in the literature in individuals with STIM1-related conditions. This variant is not present in population databases (ExAC no frequency). This sequence change replaces threonine with isoleucine at codon 172 of the STIM1 protein (p.Thr172Ile). The threonine residue is weakly conserved and there is a moderate physicochemical difference between threonine and isoleucine.